The following is an entry in ClinVar:

NM_004329.3(BMPR1A):c.173T>C (p.Phe58Ser)

Gene: BMPR1A (bone morphogenetic protein receptor type 1A; plus strand). Cytogenetic location: 10q23.2.
Variant type: single nucleotide variant.
Coding change: c.173T>C on transcript NM_004329.3 (MANE Select); coding-DNA position 173, T replaced by C.
Protein change: p.Phe58Ser; replaces phenylalanine 58 with serine.
Molecular consequence: missense variant. On other transcripts: non-coding transcript variant (3).
Genome position (GRCh38, 1-based): chr10:86,890,167, T>C. VCF-style: chr10-86890167-T-C. GRCh37 (hg19) VCF-style: chr10-88649924-T-C.
Other names: c.173T>C, p.Phe58Ser (NM_001406569.1, NM_001406570.1, NM_001406571.1 and 23 more transcripts); c.89T>C, p.Phe30Ser (NM_001406584.1, NM_001406585.1, NM_001406586.1 and 2 more transcripts); short protein forms F30S, F58S.
Identifiers: ClinVar variation 3661435 (VCV003661435.2).

ClinVar aggregate classification (germline): Uncertain significance (1 of 4 stars; one submission).

Conditions:
Juvenile polyposis syndrome (JPS). Identifiers: Orphanet 2929, MedGen C0345893, MONDO:0017380, OMIM 174900.

Submission:

Labcorp Genetics (formerly Invitae), Labcorp
Classification: Uncertain significance for Juvenile polyposis syndrome. Last evaluated: 2024-10-30. Review status: criteria provided, single submitter. Criteria: Invitae Variant Classification Sherloc (09022015). Collection method: clinical testing. Allele origin: germline.
Comment: This sequence change replaces phenylalanine, which is neutral and non-polar, with serine, which is neutral and polar, at codon 58 of the BMPR1A protein (p.Phe58Ser). This variant is not present in population databases (gnomAD no frequency). This variant has not been reported in the literature in individuals affected with BMPR1A-related conditions. Invitae Evidence Modeling of protein sequence and biophysical properties (such as structural, functional, and spatial information, amino acid conservation, physicochemical variation, residue mobility, and thermodynamic stability) has been performed for this missense variant. However, the output from this modeling did not meet the statistical confidence thresholds required to predict the impact of this variant on BMPR1A protein function. In summary, the available evidence is currently insufficient to determine the role of this variant in disease. Therefore, it has been classified as a Variant of Uncertain Significance.